The following is an entry in ClinVar:

ClinVar aggregate classification (germline): Uncertain significance. Review status: criteria provided, multiple submitters, no conflicts (2 of 4 stars). 2 submissions from 2 submitters: Uncertain significance (2). Last evaluated 2025-08-22.

Conditions:
Inborn genetic diseases. Identifiers: MedGen C0950123, MeSH D030342.

Allele frequency attached by ClinVar (database versions not stated): gnomAD exomes 0.00001; TOPMed 0.00001.
gnomAD v4.1: 6 of 1,613,950 alleles (0.00037%); highest among the groups gnomAD compares: Admixed American, 0.0033%; no homozygotes.

Submissions (2):

Ambry Genetics
Classification: Uncertain significance for Inborn genetic diseases. Last evaluated: 2025-08-22. Review status: criteria provided, single submitter. Criteria: Ambry Variant Classification Scheme 2023. Collection method: clinical testing. Allele origin: germline.

Labcorp Genetics (formerly Invitae), Labcorp
Classification: Uncertain significance. Last evaluated: 2025-06-12. Review status: criteria provided, single submitter. Criteria: Invitae Variant Classification Sherloc (09022015). Collection method: clinical testing. Allele origin: germline.
Comment: This sequence change replaces glutamic acid, which is acidic and polar, with alanine, which is neutral and non-polar, at codon 356 of the DSG1 protein (p.Glu356Ala). This variant is not present in population databases (gnomAD no frequency). This variant has not been reported in the literature in individuals affected with DSG1-related conditions. ClinVar contains an entry for this variant (Variation ID: 1931851). Invitae Evidence Modeling of protein sequence and biophysical properties (such as structural, functional, and spatial information, amino acid conservation, physicochemical variation, residue mobility, and thermodynamic stability) indicates that this missense variant is not expected to disrupt DSG1 protein function with a negative predictive value of 80%. In summary, the available evidence is currently insufficient to determine the role of this variant in disease. Therefore, it has been classified as a Variant of Uncertain Significance.

NM_001942.4(DSG1):c.1067A>C (p.Glu356Ala)

Gene: DSG1 (desmoglein 1; plus strand). Cytogenetic location: 18q12.1.
Variant type: single nucleotide variant.
Coding change: c.1067A>C on transcript NM_001942.4 (MANE Select); coding-DNA position 1067, A replaced by C.
Protein change: p.Glu356Ala; replaces glutamic acid 356 with alanine.
Molecular consequence: missense variant.
Genome position (GRCh38, 1-based): chr18:31,336,415, A>C. VCF-style: chr18-31336415-A-C. GRCh37 (hg19) VCF-style: chr18-28916378-A-C.
Other names: c.1067A>C (NM_001942.2); short protein forms E356A.
Identifiers: ClinVar variation 1931851 (VCV001931851.6), dbSNP rs775490009, ClinGen allele CA297694928.